The following is an entry in ClinVar:

NM_000548.5(TSC2):c.1668C>G (p.Ser556=)

Gene: TSC2 (TSC complex subunit 2; plus strand). Cytogenetic location: 16p13.3.
Variant type: single nucleotide variant.
Coding change: c.1668C>G on transcript NM_000548.5 (MANE Select); coding-DNA position 1668, C replaced by G.
Protein change: p.Ser556=; no amino-acid change (serine 556 retained).
Molecular consequence: synonymous variant.
Genome position (GRCh38, 1-based): chr16:2,065,587, C>G. VCF-style: chr16-2065587-C-G. GRCh37 (hg19) VCF-style: chr16-2115588-C-G.
Other names: c.1668C>G, p.Ser556= (NM_001077183.3, NM_001114382.3, NM_001363528.2 and 3 more transcripts); c.1557C>G, p.Ser519= (NM_001318827.2); c.1521C>G, p.Ser507= (NM_001318829.2); c.1068C>G, p.Ser356= (NM_001318831.2); c.1701C>G, p.Ser567= (NM_001318832.2).
Identifiers: ClinVar variation 237970 (VCV000237970.15), dbSNP rs764091433, ClinGen allele CA10583297.
Genomic context (GRCh38, chr16:2,065,587, plus strand): 5'-CCGCTCCCTCTCCCCACCCCCGGAGCTGGAAGAAAGGGATGTGGCCGCATACTCGGCCTC[C>G]TTGGAGGATGTGAAGACAGCCGTCCTGGGGCTTCTGGTCATCCTTCAGGTGGGTGTTCTG-3'
Protein context (NP_000539.2, residues 546-566): EERDVAAYSA[Ser556=]LEDVKTAVLG

ClinVar aggregate classification (germline): Benign/Likely benign. Review status: criteria provided, multiple submitters, no conflicts (2 of 4 stars). 4 submissions from 4 submitters: Benign (1); Likely benign (3). Last evaluated 2026-01-20.

Conditions:
Tuberous sclerosis syndrome (TSC). Also called: Tuberous Sclerosis Complex; Tuberous sclerosis. Identifiers: Orphanet 805, MedGen C0041341, MONDO:0001734.
Hereditary cancer-predisposing syndrome. Also called: Tumor predisposition; Hereditary Cancer Syndrome; Hereditary neoplastic syndrome; Neoplastic Syndromes, Hereditary. Identifiers: Orphanet 140162, MedGen C0027672, MeSH D009386, MONDO:0015356.
Tuberous sclerosis 2 (TSC2). Identifiers: Orphanet 805, MedGen C1860707, MONDO:0013199, OMIM 613254.

Allele frequency attached by ClinVar (database versions not stated): TOPMed below 0.00001.
gnomAD v4.1: 1 of 1,613,858 alleles (0.000062%); highest among the groups gnomAD compares: Non-Finnish European, 0.000085%; no homozygotes.

Submissions (4):

Labcorp Genetics (formerly Invitae), Labcorp
Classification: Likely benign for Tuberous sclerosis 2. Last evaluated: 2026-01-20. Review status: criteria provided, single submitter. Criteria: Invitae Variant Classification Sherloc (09022015). Collection method: clinical testing. Allele origin: germline.

Color Diagnostics, LLC DBA Color Health
Classification: Likely benign for Tuberous sclerosis syndrome. Last evaluated: 2025-07-28. Review status: criteria provided, single submitter. Criteria: ACMG Guidelines, 2015. Collection method: clinical testing. Allele origin: germline.

Myriad Genetics, Inc.
Classification: Benign for Tuberous sclerosis 2. Last evaluated: 2025-05-15. Review status: criteria provided, single submitter. Criteria: Myriad Autosomal Dominant, Autosomal Recessive and X-Linked Classification Criteria (2023). Collection method: clinical testing. Allele origin: unknown.
Comment: This variant is considered benign. This variant is a silent/synonymous amino acid change and it is not expected to impact splicing.

Ambry Genetics
Classification: Likely benign for Hereditary cancer-predisposing syndrome. Last evaluated: 2020-02-10. Review status: criteria provided, single submitter. Criteria: Ambry Variant Classification Scheme 2023. Collection method: clinical testing. Allele origin: germline.